The following is an entry in ClinVar:

NM_198252.3(GSN):c.1763-7C>G

Gene: GSN (gelsolin; plus strand). Cytogenetic location: 9q33.2.
Variant type: single nucleotide variant.
Coding change: c.1763-7C>G on transcript NM_198252.3 (MANE Select); 7 bases into the intron before coding-DNA position 1763, C replaced by G.
Molecular consequence: intron variant.
Genome position (GRCh38, 1-based): chr9:121,328,884, C>G. VCF-style: chr9-121328884-C-G. GRCh37 (hg19) VCF-style: chr9-124091162-C-G.
Other names: c.1763-7C>G (NM_001353054.1, NM_001353053.1, NM_001353060.2 and 10 more transcripts); c.1796-7C>G (NM_001353064.2, NM_001353066.2, NM_001353073.2 and 13 more transcripts); c.1871-7C>G (NM_001127663.2); c.1835-7C>G (NM_001353076.2); c.1109-7C>G (NM_001353078.2); c.1814-7C>G (NM_001258029.2); c.1787-7C>G (NM_001258030.2); c.1916-7C>G (NM_000177.5, NM_000177.4).
Identifiers: ClinVar variation 1406212 (VCV001406212.10), dbSNP rs181442771, ClinGen allele CA5221414.

ClinVar aggregate classification (germline): Conflicting classifications of pathogenicity. Review status: criteria provided, conflicting classifications (1 of 4 stars). 3 submissions from 3 submitters: Uncertain significance (1); Likely benign (2). Last evaluated 2025-09-03.

Conditions:
GSN-related disorder. Also called: GSN-related condition.
Finnish type amyloidosis. Also called: AMYLOID CRANIAL NEUROPATHY WITH LATTICE CORNEAL DYSTROPHY; AMYLOIDOSIS DUE TO MUTANT GELSOLIN; Lattice corneal dystrophy associated with familial systemic amyloidosis; Meretoja's syndrome; Lattice dystrophy of the cornea with hereditary generalized amyloidosis; Amyloidosis, familial, Finnish type. Identifiers: Orphanet 85448, MedGen C1622345, MONDO:0007097, OMIM 105120.

Allele frequency attached by ClinVar (database versions not stated): TOPMed 0.00003; gnomAD exomes 0.00004; ExAC 0.00005; gnomAD 0.00006; 1000 Genomes Project 30x 0.00016; 1000 Genomes Project 0.00020.
gnomAD v4.1: 102 of 1,610,554 alleles (0.0063%); highest among the groups gnomAD compares: Non-Finnish European, 0.0083%; no homozygotes.

Submissions (3):

PreventionGenetics, part of Exact Sciences
Classification: Likely benign for GSN-related condition. Last evaluated: 2025-09-03. Review status: criteria provided, single submitter. Criteria: ACMG Guidelines, 2015. Collection method: clinical testing. Allele origin: germline.
Comment: This variant is classified as likely benign based on ACMG/AMP sequence variant interpretation guidelines (Richards et al. 2015 PMID: 25741868, with internal and published modifications).

Labcorp Genetics (formerly Invitae), Labcorp
Classification: Likely benign. Last evaluated: 2025-04-23. Review status: criteria provided, single submitter. Criteria: Invitae Variant Classification Sherloc (09022015). Collection method: clinical testing. Allele origin: germline.

Fulgent Genetics
Classification: Uncertain significance for Finnish type amyloidosis. Last evaluated: 2024-06-18. Review status: criteria provided, single submitter. Criteria: ACMG Guidelines, 2015. Collection method: clinical testing. Allele origin: germline.